The following is an entry in ClinVar:

ClinVar aggregate classification (germline): Pathogenic (1 of 4 stars; one submission).

Conditions:
Marfan syndrome (MFS). Also called: Marfan syndrome type 1; Marfan's syndrome; FBN1-Related Marfan Syndrome; MARFAN SYNDROME, TYPE I; Marfan syndrome, classic. Identifiers: Orphanet 284963, Orphanet 558, MedGen C0024796, MONDO:0007947, OMIM 154700.
Familial thoracic aortic aneurysm and aortic dissection (TAAD). Also called: Thoracic aortic aneurysms and dissections. Identifiers: Orphanet 91387, MedGen C4707243, MONDO:0019625.

Submission:

Labcorp Genetics (formerly Invitae), Labcorp
Classification: Pathogenic for Marfan syndrome; Familial thoracic aortic aneurysm and aortic dissection. Last evaluated: 2021-07-08. Review status: criteria provided, single submitter. Criteria: Invitae Variant Classification Sherloc (09022015). Collection method: clinical testing. Allele origin: germline.
Comment: This sequence change creates a premature translational stop signal (p.Arg2243Lysfs*45) in the FBN1 gene. It is expected to result in an absent or disrupted protein product. Loss-of-function variants in FBN1 are known to be pathogenic (PMID: 17657824, 19293843). This variant is not present in population databases (ExAC no frequency). This variant has not been reported in the literature in individuals affected with FBN1-related conditions. Algorithms developed to predict the effect of sequence changes on RNA splicing suggest that this variant may create or strengthen a splice site. For these reasons, this variant has been classified as Pathogenic.

Literature cited by the submitters: PubMed 17657824; PubMed 19293843.

NM_000138.5(FBN1):c.6728_6737del (p.Arg2243fs)

Gene: FBN1 (fibrillin 1; minus strand). Cytogenetic location: 15q21.1.
Variant type: Deletion.
Coding change: c.6728_6737del on transcript NM_000138.5 (MANE Select); coding-DNA positions 6728 to 6737, 10 bases deleted (GGATGTGCAA; older notation c.6728_6737delGGATGTGCAA).
Protein change: p.Arg2243fs; shifts the reading frame from arginine 2243.
Molecular consequence: frameshift variant.
Genome position (GRCh38, 1-based): chr15:48,432,868-48,432,877, TTGCACATCC deleted on the plus strand (GGATGTGCAA on the coding strand, the reverse complement: FBN1 is on the minus strand); deleting any 10 consecutive bases within chr15:48,432,868-48,432,878 gives the same sequence; the c. name uses the placement nearest the transcript's 3' end. VCF-style (leftmost placement, unchanged base first): chr15-48432867-TTTGCACATCC-T. GRCh37 (hg19) VCF-style: chr15-48725064-TTTGCACATCC-T.
Other names: short protein forms R2243fs.
Identifiers: ClinVar variation 1358410 (VCV001358410.6), dbSNP rs2141234945, ClinGen allele CA2573150975.
Genomic context (GRCh38, chr15:48,432,867, plus strand): 5'-ACATCTCCCCTCACAGATAAAGCTTCCTGGCTTAGATGACCTTGAACACGATGACTCACC[TTTGCACATCC>T]TACGGTCTTCTCTGAGCACATATCCCACGGGACATTTGCATTCATATGACCCATAAGTGT-3'